The following is an entry in ClinVar:

NM_001111.5(ADAR):c.1259A>G (p.Glu420Gly)

Gene: ADAR (adenosine deaminase RNA specific; minus strand). Cytogenetic location: 1q21.3.
Variant type: single nucleotide variant.
Coding change: c.1259A>G on transcript NM_001111.5 (MANE Select); coding-DNA position 1259, A replaced by G.
Protein change: p.Glu420Gly; replaces glutamic acid 420 with glycine.
Molecular consequence: missense variant.
Genome position (GRCh38, 1-based): chr1:154,601,383, T>C on the plus strand (A>G on the coding strand, the complement: ADAR is on the minus strand). VCF-style: chr1-154601383-T-C. GRCh37 (hg19) VCF-style: chr1-154573859-T-C.
Other names: c.374A>G, p.Glu125Gly (NM_001025107.3, NM_001193495.2, NM_001365046.1 and 3 more transcripts); c.1286A>G, p.Glu429Gly (NM_001365045.1); c.1259A>G, p.Glu420Gly (NM_015840.4, NM_015841.4); short protein forms E125G, E420G, E429G.
Identifiers: ClinVar variation 3750140 (VCV003750140.2).

ClinVar aggregate classification (germline): Uncertain significance (1 of 4 stars; one submission).

Conditions:
Symmetrical dyschromatosis of extremities (DSH). Also called: DYSCHROMATOSIS SYMMETRICA HEREDITARIA 1; RETICULATE ACROPIGMENTATION OF DOHI; SYMMETRIC DYSCHROMATOSIS OF THE EXTREMITIES; Dyschromatosis symmetrica hereditaria. Identifiers: Orphanet 41, MedGen C0406775, MONDO:0007483, OMIM 127400.
Aicardi-Goutieres syndrome 6 (AGS6). Identifiers: Orphanet 51, MedGen C3539013, MONDO:0014007, OMIM 615010.

gnomAD v4.1: 3 of 1,614,236 alleles (0.00019%); highest among the groups gnomAD compares: Non-Finnish European, 0.00025%; no homozygotes.

Submission:

Labcorp Genetics (formerly Invitae), Labcorp
Classification: Uncertain significance for Aicardi-Goutieres syndrome 6; Symmetrical dyschromatosis of extremities. Last evaluated: 2024-06-05. Review status: criteria provided, single submitter. Criteria: Invitae Variant Classification Sherloc (09022015). Collection method: clinical testing. Allele origin: germline.
Comment: This sequence change replaces glutamic acid, which is acidic and polar, with glycine, which is neutral and non-polar, at codon 420 of the ADAR protein (p.Glu420Gly). This variant is not present in population databases (gnomAD no frequency). This variant has not been reported in the literature in individuals affected with ADAR-related conditions. Advanced modeling of protein sequence and biophysical properties (such as structural, functional, and spatial information, amino acid conservation, physicochemical variation, residue mobility, and thermodynamic stability) performed at Invitae indicates that this missense variant is not expected to disrupt ADAR protein function with a negative predictive value of 80%. In summary, the available evidence is currently insufficient to determine the role of this variant in disease. Therefore, it has been classified as a Variant of Uncertain Significance.